The following is an entry in ClinVar:

ClinVar aggregate classification (germline): Uncertain significance (1 of 4 stars; one submission).

Submission:

Labcorp Genetics (formerly Invitae), Labcorp
Classification: Uncertain significance. Last evaluated: 2022-04-03. Review status: criteria provided, single submitter. Criteria: Invitae Variant Classification Sherloc (09022015). Collection method: clinical testing. Allele origin: germline.
Comment: In summary, the available evidence is currently insufficient to determine the role of this variant in disease. Therefore, it has been classified as a Variant of Uncertain Significance. Algorithms developed to predict the effect of missense changes on protein structure and function are either unavailable or do not agree on the potential impact of this missense change (SIFT: "Deleterious"; PolyPhen-2: "Probably Damaging"; Align-GVGD: "Class C0"). This variant has not been reported in the literature in individuals affected with DEAF1-related conditions. This variant is not present in population databases (gnomAD no frequency). This sequence change replaces alanine, which is neutral and non-polar, with threonine, which is neutral and polar, at codon 242 of the DEAF1 protein (p.Ala242Thr).

NM_021008.4(DEAF1):c.724G>A (p.Ala242Thr)

Gene: DEAF1 (DEAF1 transcription factor; minus strand). Cytogenetic location: 11p15.5.
Variant type: single nucleotide variant.
Coding change: c.724G>A on transcript NM_021008.4 (MANE Select); coding-DNA position 724, G replaced by A.
Protein change: p.Ala242Thr; replaces alanine 242 with threonine.
Molecular consequence: missense variant. On other transcripts: 5 prime UTR variant (4), intron variant (1).
Genome position (GRCh38, 1-based): chr11:686,938, C>T on the plus strand (G>A on the coding strand, the complement: DEAF1 is on the minus strand). VCF-style: chr11-686938-C-T. GRCh37 (hg19) VCF-style: chr11-686938-C-T.
Other names: c.-3G>A (NM_001367390.1, NM_001440885.1, NM_001440886.1 and 1 more transcripts); c.724G>A, p.Ala242Thr (NM_001440883.1, NM_001440884.1); c.664+973G>A (NM_001293634.2); short protein forms A242T.
Identifiers: ClinVar variation 2120958 (VCV002120958.4), dbSNP rs1860618505, ClinGen allele CA378932411.
Genomic context (GRCh38, chr11:686,938, plus strand): 5'-GTCGGCCCGCGTAGCGAATGCTTCTTTTCCAGTCCTTACTGCTGGCTCTTCCTGCCATGG[C>T]CTCAAACTCGGTGGGACTGTACCAGTTCTCCCCCTGCTTGATGCACCGTCCCCGGCCGCC-3'
Protein context (NP_066288.2, residues 232-252): ENWYSPTEFE[Ala242Thr]MAGRASSKDW